The following is an entry in ClinVar:

ClinVar aggregate classification (germline): Uncertain significance. Review status: criteria provided, multiple submitters, no conflicts (2 of 4 stars). 4 submissions from 4 submitters: Uncertain significance (4). Last evaluated 2026-10-06.

Conditions:
Cardiovascular phenotype. Identifiers: MedGen CN230736.
Naxos disease (NXD). Also called: KERATOSIS PALMOPLANTARIS WITH ARRHYTHMOGENIC CARDIOMYOPATHY; MAL DE NAXOS; PALMOPLANTAR KERATODERMA WITH ARRHYTHMOGENIC RIGHT VENTRICULAR CARDIOMYOPATHY AND WOOLLY HAIR; WOOLLY HAIR, PALMOPLANTAR KERATODERMA, AND CARDIAC ABNORMALITIES; CARDIOMYOPATHY, ARRHYTHMOGENIC RIGHT VENTRICULAR, WITH SKIN, HAIR, AND NAIL ABNORMALITIES. Identifiers: Orphanet 34217, MedGen C1832600, MONDO:0011017, OMIM 601214.
Arrhythmogenic right ventricular dysplasia 12. Also called: ARRHYTHMOGENIC RIGHT VENTRICULAR DYSPLASIA, FAMILIAL, 12. Identifiers: MedGen C1969081, MONDO:0012684, OMIM 611528.

Allele frequency attached by ClinVar (database versions not stated): gnomAD exomes 0.00002; gnomAD 0.00002; ESP Exome Variant Server 0.00015; ExAC 0.00002; TOPMed 0.00006.
gnomAD v4.1: 37 of 1,612,754 alleles (0.0023%); highest among the groups gnomAD compares: African/African-American, 0.004%; no homozygotes.

Submissions (4):

GeneDx
Classification: Uncertain significance. Last evaluated: 2026-10-06. Review status: criteria provided, single submitter. Criteria: GeneDx Variant Classification Process June 2021. Collection method: clinical testing. Allele origin: germline.
Comment: Not observed at significant frequency in large population cohorts (gnomAD); In silico analysis supports that this missense variant has a deleterious effect on protein structure/function; This variant is associated with the following publications: (PMID: 28855170, 29606362, 32600061)

Ambry Genetics
Classification: Uncertain significance for Cardiovascular phenotype. Last evaluated: 2026-03-23. Review status: criteria provided, single submitter. Criteria: Ambry Variant Classification Scheme 2023. Collection method: clinical testing. Allele origin: germline.

Labcorp Genetics (formerly Invitae), Labcorp
Classification: Uncertain significance for Arrhythmogenic right ventricular dysplasia 12; Naxos disease. Last evaluated: 2025-11-21. Review status: criteria provided, single submitter. Criteria: Invitae Variant Classification Sherloc (09022015). Collection method: clinical testing. Allele origin: germline.
Comment: This sequence change replaces glutamic acid, which is acidic and polar, with lysine, which is basic and polar, at codon 146 of the JUP protein (p.Glu146Lys). This variant is present in population databases (rs146581757, gnomAD 0.007%). This missense change has been observed in individual(s) with left ventricular noncompaction (PMID: 28855170). ClinVar contains an entry for this variant (Variation ID: 661772). An algorithm developed to predict the effect of missense changes on protein structure and function (PolyPhen-2) suggests that this variant is likely to be disruptive. In summary, the available evidence is currently insufficient to determine the role of this variant in disease. Therefore, it has been classified as a Variant of Uncertain Significance.

Fulgent Genetics
Classification: Uncertain significance for Naxos disease; Arrhythmogenic right ventricular dysplasia 12. Last evaluated: 2021-11-12. Review status: criteria provided, single submitter. Criteria: ACMG Guidelines, 2015. Collection method: clinical testing. Allele origin: unknown.

Literature cited by the submitters: PubMed 28855170 (cited by Labcorp Genetics (formerly Invitae), Labcorp).

NM_002230.4(JUP):c.436G>A (p.Glu146Lys)

Gene: JUP (junction plakoglobin; minus strand). Cytogenetic location: 17q21.2.
Variant type: single nucleotide variant.
Coding change: c.436G>A on transcript NM_002230.4 (MANE Select); coding-DNA position 436, G replaced by A.
Protein change: p.Glu146Lys; replaces glutamic acid 146 with lysine.
Molecular consequence: missense variant.
Genome position (GRCh38, 1-based): chr17:41,769,450, C>T on the plus strand (G>A on the coding strand, the complement: JUP is on the minus strand). VCF-style: chr17-41769450-C-T. GRCh37 (hg19) VCF-style: chr17-39925702-C-T.
Other names: c.436G>A, p.Glu146Lys (NM_001352773.2, NM_001352774.2, NM_001352775.2 and 3 more transcripts); short protein forms E146K.
Identifiers: ClinVar variation 661772 (VCV000661772.18), dbSNP rs146581757, ClinGen allele CA8565496.